The following is an entry in ClinVar:

NM_014244.5(ADAMTS2):c.2347G>A (p.Ala783Thr)

Gene: ADAMTS2 (ADAM metallopeptidase with thrombospondin type 1 motif 2; minus strand). Cytogenetic location: 5q35.3.
Variant type: single nucleotide variant.
Coding change: c.2347G>A on transcript NM_014244.5 (MANE Select); coding-DNA position 2347, G replaced by A.
Protein change: p.Ala783Thr; replaces alanine 783 with threonine.
Molecular consequence: missense variant.
Genome position (GRCh38, 1-based): chr5:179,130,042, C>T on the plus strand (G>A on the coding strand, the complement: ADAMTS2 is on the minus strand). VCF-style: chr5-179130042-C-T. GRCh37 (hg19) VCF-style: chr5-178557043-C-T.
Other names: short protein forms A783T.
Identifiers: ClinVar variation 3693568 (VCV003693568.2).
Genomic context (GRCh38, chr5:179,130,042, plus strand): 5'-GGCCGTCCTCGTCTCTGTACTCCCACTCCACGCCCATGGCAATGAAGGTTTTGGAACTGG[C>T]ATCCACGTCATTCTCTTCATTTAAGATGAACTTGCCTGTCTCCAGGTTCTTGACGGCTGA-3'
Protein context (NP_055059.2, residues 773-793): FILNEENDVD[Ala783Thr]SSKTFIAMGV

ClinVar aggregate classification (germline): Uncertain significance (1 of 4 stars; one submission).

Conditions:
Ehlers-Danlos syndrome, dermatosparaxis type. Also called: Dermatosparaxis; Ehlers-Danlos syndrome, type VII, autosomal recessive; EDS VIIC. Identifiers: Orphanet 1901, MedGen C2700425, MONDO:0009161, OMIM 225410.

Submission:

Labcorp Genetics (formerly Invitae), Labcorp
Classification: Uncertain significance for Ehlers-Danlos syndrome, dermatosparaxis type. Last evaluated: 2025-01-10. Review status: criteria provided, single submitter. Criteria: Invitae Variant Classification Sherloc (09022015). Collection method: clinical testing. Allele origin: germline.
Comment: This sequence change replaces alanine, which is neutral and non-polar, with threonine, which is neutral and polar, at codon 783 of the ADAMTS2 protein (p.Ala783Thr). This variant is not present in population databases (gnomAD no frequency). This variant has not been reported in the literature in individuals affected with ADAMTS2-related conditions. An algorithm developed to predict the effect of missense changes on protein structure and function (PolyPhen-2) suggests that this variant is likely to be tolerated. In summary, the available evidence is currently insufficient to determine the role of this variant in disease. Therefore, it has been classified as a Variant of Uncertain Significance.